The following is an entry in ClinVar:

NM_015213.4(DENND5A):c.2857+1G>A

Gene: DENND5A (DENN domain containing 5A; minus strand). Cytogenetic location: 11p15.4.
Variant type: single nucleotide variant.
Coding change: c.2857+1G>A on transcript NM_015213.4 (MANE Select); the canonical splice donor site of the intron after coding-DNA position 2857, G replaced by A.
Molecular consequence: splice donor variant.
Genome position (GRCh38, 1-based): chr11:9,147,029, C>T on the plus strand (G>A on the coding strand, the complement: DENND5A is on the minus strand). VCF-style: chr11-9147029-C-T. GRCh37 (hg19) VCF-style: chr11-9168576-C-T.
Other names: c.2785+1G>A (NM_001348749.2); c.2857+1G>A (NM_001243254.2); c.2569+1G>A (NM_001348750.2).
Identifiers: ClinVar variation 2022272 (VCV002022272.4), dbSNP rs764301963, ClinGen allele CA5877210.

ClinVar aggregate classification (germline): Likely pathogenic (1 of 4 stars; one submission).

Allele frequency attached by ClinVar (database versions not stated): ExAC 0.00002.
gnomAD v4.1: 5 of 1,614,088 alleles (0.00031%); highest among the groups gnomAD compares: South Asian, 0.0022%; no homozygotes.

Submission:

Labcorp Genetics (formerly Invitae), Labcorp
Classification: Likely pathogenic. Last evaluated: 2022-09-12. Review status: criteria provided, single submitter. Criteria: Invitae Variant Classification Sherloc (09022015). Collection method: clinical testing. Allele origin: germline.
Comment: Algorithms developed to predict the effect of sequence changes on RNA splicing suggest that this variant may disrupt the consensus splice site. In summary, the currently available evidence indicates that the variant is pathogenic, but additional data are needed to prove that conclusively. Therefore, this variant has been classified as Likely Pathogenic. This variant has not been reported in the literature in individuals affected with DENND5A-related conditions. This variant is present in population databases (rs764301963, gnomAD 0.01%). This sequence change affects a donor splice site in intron 16 of the DENND5A gene. It is expected to disrupt RNA splicing. Variants that disrupt the donor or acceptor splice site typically lead to a loss of protein function (PMID: 16199547), and loss-of-function variants in DENND5A are known to be pathogenic (PMID: 27431290, 27866705).

Literature cited by the submitters: PubMed 16199547; PubMed 27431290; PubMed 27866705.